The following is an entry in ClinVar:

NM_000245.4(MET):c.522C>G (p.Asp174Glu)

Gene: MET (MET proto-oncogene, receptor tyrosine kinase; plus strand). Cytogenetic location: 7q31.2.
Variant type: single nucleotide variant.
Coding change: c.522C>G on transcript NM_000245.4 (MANE Select); coding-DNA position 522, C replaced by G.
Protein change: p.Asp174Glu; replaces aspartic acid 174 with glutamic acid.
Molecular consequence: missense variant. On other transcripts: intron variant (1).
Genome position (GRCh38, 1-based): chr7:116,699,606, C>G. VCF-style: chr7-116699606-C-G. GRCh37 (hg19) VCF-style: chr7-116339660-C-G.
Other names: c.522C>G, p.Asp174Glu (NM_001127500.3, NM_001324401.3); c.-91+27029C>G (NM_001324402.2); short protein forms D174E.
Identifiers: ClinVar variation 216512 (VCV000216512.8), dbSNP rs863224696, ClinGen allele CA335951.

ClinVar aggregate classification (germline): Uncertain significance (1 of 4 stars; one submission).

Conditions:
Renal cell carcinoma. Identifiers: Orphanet 217071, MedGen C0007134, MeSH D002292, MONDO:0005086, HP:0005584.

Submission:

Labcorp Genetics (formerly Invitae), Labcorp
Classification: Uncertain significance for Renal cell carcinoma. Last evaluated: 2024-08-10. Review status: criteria provided, single submitter. Criteria: Invitae Variant Classification Sherloc (09022015). Collection method: clinical testing. Allele origin: germline.
Comment: This sequence change replaces aspartic acid, which is acidic and polar, with glutamic acid, which is acidic and polar, at codon 174 of the MET protein (p.Asp174Glu). This variant is not present in population databases (gnomAD no frequency). This variant has not been reported in the literature in individuals affected with MET-related conditions. ClinVar contains an entry for this variant (Variation ID: 216512). Advanced modeling of protein sequence and biophysical properties (such as structural, functional, and spatial information, amino acid conservation, physicochemical variation, residue mobility, and thermodynamic stability) performed at Invitae indicates that this missense variant is expected to disrupt MET protein function with a positive predictive value of 80%. In summary, the available evidence is currently insufficient to determine the role of this variant in disease. Therefore, it has been classified as a Variant of Uncertain Significance.